The following is an entry in ClinVar:

NM_025114.4(CEP290):c.1763G>T (p.Arg588Ile)

Gene: CEP290 (centrosomal protein 290; minus strand). Cytogenetic location: 12q21.32.
Variant type: single nucleotide variant.
Coding change: c.1763G>T on transcript NM_025114.4 (MANE Select); coding-DNA position 1763, G replaced by T.
Protein change: p.Arg588Ile; replaces arginine 588 with isoleucine.
Molecular consequence: missense variant.
Genome position (GRCh38, 1-based): chr12:88,117,094, C>A on the plus strand (G>T on the coding strand, the complement: CEP290 is on the minus strand). VCF-style: chr12-88117094-C-A. GRCh37 (hg19) VCF-style: chr12-88510871-C-A.
Other names: short protein forms R588I.
Identifiers: ClinVar variation 3348926 (VCV003348926.1).

ClinVar aggregate classification (germline): Uncertain significance (0 of 4 stars; one submission).

Conditions:
CEP290-related disorder. Also called: CEP290-related condition; CEP290-related disorders. Identifiers: MedGen CN239314.

Submission:

PreventionGenetics, part of Exact Sciences
Classification: Uncertain significance for CEP290-related condition. Last evaluated: 2024-02-07. Review status: no assertion criteria provided. Collection method: clinical testing. Allele origin: germline.
Comment: The CEP290 c.1763G>T variant is predicted to result in the amino acid substitution p.Arg588Ile. To our knowledge, this variant has not been reported in the literature or in a large population database, indicating this variant is rare. At this time, the clinical significance of this variant is uncertain due to the absence of conclusive functional and genetic evidence.